The following is an entry in ClinVar:

NM_004370.6(COL12A1):c.2149G>A (p.Glu717Lys)

Gene: COL12A1 (collagen type XII alpha 1 chain; minus strand). Cytogenetic location: 6q13.
Variant type: single nucleotide variant.
Coding change: c.2149G>A on transcript NM_004370.6 (MANE Select); coding-DNA position 2149, G replaced by A.
Protein change: p.Glu717Lys; replaces glutamic acid 717 with lysine.
Molecular consequence: missense variant. On other transcripts: intron variant (1).
Genome position (GRCh38, 1-based): chr6:75,180,954, C>T on the plus strand (G>A on the coding strand, the complement: COL12A1 is on the minus strand). VCF-style: chr6-75180954-C-T. GRCh37 (hg19) VCF-style: chr6-75890670-C-T.
Other names: c.73+21766G>A (NM_080645.3); short protein forms E717K.
Identifiers: ClinVar variation 2573726 (VCV002573726.4), dbSNP rs370891083, ClinGen allele CA3894059.

ClinVar aggregate classification (germline): Conflicting classifications of pathogenicity. Review status: criteria provided, conflicting classifications (1 of 4 stars). 2 submissions from 2 submitters: Uncertain significance (1); Likely benign (1). Last evaluated 2023-09-21.

Conditions:
Ullrich congenital muscular dystrophy 2 (UCMD2). Identifiers: Orphanet 75840, MedGen C4225314, MONDO:0014654, OMIM 616470.
Bethlem myopathy 2 (BTHLM2). Identifiers: Orphanet 536516, Orphanet 610, MedGen C4225313, MONDO:0034022, OMIM 616471.

Allele frequency attached by ClinVar (database versions not stated): ExAC 0.00002; ESP Exome Variant Server 0.00008.
gnomAD v4.1: 4 of 1,612,860 alleles (0.00025%); highest among the groups gnomAD compares: African/African-American, 0.0027%; no homozygotes.

Submissions (2):

Labcorp Genetics (formerly Invitae), Labcorp
Classification: Likely benign for Bethlem myopathy 2; Ullrich congenital muscular dystrophy 2. Last evaluated: 2023-09-21. Review status: criteria provided, single submitter. Criteria: Invitae Variant Classification Sherloc (09022015). Collection method: clinical testing. Allele origin: germline.

GeneDx
Classification: Uncertain significance. Last evaluated: 2023-01-19. Review status: criteria provided, single submitter. Criteria: GeneDx Variant Classification Process June 2021. Collection method: clinical testing. Allele origin: germline. Affected: yes.
Comment: In silico analysis supports that this missense variant does not alter protein structure/function; Has not been previously published as pathogenic or benign to our knowledge